The following is an entry in ClinVar:

ClinVar aggregate classification (germline): Uncertain significance (1 of 4 stars; one submission).

Allele frequency attached by ClinVar (database versions not stated): gnomAD 0.00007.
gnomAD v4.1: 18 of 1,611,308 alleles (0.0011%); highest among the groups gnomAD compares: Admixed American, 0.022%; no homozygotes.

Submission:

Labcorp Genetics (formerly Invitae), Labcorp
Classification: Uncertain significance. Last evaluated: 2024-01-22. Review status: criteria provided, single submitter. Criteria: Invitae Variant Classification Sherloc (09022015). Collection method: clinical testing. Allele origin: germline.
Comment: This sequence change affects codon 60 of the LIPI mRNA. It is a 'silent' change, meaning that it does not change the encoded amino acid sequence of the LIPI protein. This variant is present in population databases (rs764110158, gnomAD 0.007%). This variant has not been reported in the literature in individuals affected with LIPI-related conditions. Algorithms developed to predict the effect of sequence changes on RNA splicing suggest that this variant may disrupt the consensus splice site. In summary, the available evidence is currently insufficient to determine the role of this variant in disease. Therefore, it has been classified as a Variant of Uncertain Significance.

NM_001302998.2(LIPI):c.117G>T (p.Pro39=)

Gene: LIPI (lipase I; minus strand). Cytogenetic location: 21q11.2.
Variant type: single nucleotide variant.
Coding change: c.117G>T on transcript NM_001302998.2 (MANE Select); coding-DNA position 117, G replaced by T.
Protein change: p.Pro39=; no amino-acid change (proline 39 retained).
Molecular consequence: synonymous variant. On other transcripts: 5 prime UTR variant (1), intron variant (1).
Genome position (GRCh38, 1-based): chr21:14,189,349, C>A on the plus strand (G>T on the coding strand, the complement: LIPI is on the minus strand). VCF-style: chr21-14189349-C-A. GRCh37 (hg19) VCF-style: chr21-15561670-C-A.
Other names: c.117G>T, p.Pro39= (NM_001302999.2, NM_001303000.2, NM_001303001.2 and 1 more transcripts); c.-19G>T (NM_198996.4); c.47-7490G>T (NM_001379566.1).
Identifiers: ClinVar variation 2910662 (VCV002910662.3), dbSNP rs764110158, ClinGen allele CA9979755.